The following is an entry in ClinVar:

ClinVar aggregate classification (germline): Benign. Review status: criteria provided, multiple submitters, no conflicts (2 of 4 stars). 2 submissions from 2 submitters: Benign (2). Last evaluated 2025-06-01.

Allele frequency attached by ClinVar (database versions not stated): ExAC 0.01253; 1000 Genomes Project 30x 0.00375; 1000 Genomes Project 0.00379; TOPMed 0.00733; ESP Exome Variant Server 0.00978; gnomAD 0.01133 and 0.01177.
gnomAD v4.1: 19,444 of 1,612,834 alleles (1.2%); highest among the groups gnomAD compares: Non-Finnish European, 1.2%; 209 homozygotes.

Submissions (2):

CeGaT Center for Human Genetics Tuebingen
Classification: Benign. Last evaluated: 2025-06-01. Review status: criteria provided, single submitter. Criteria: CeGaT Center For Human Genetics Tuebingen Variant Classification Criteria Version 2. Collection method: clinical testing. Allele origin: germline. Affected: yes. Observed: 1 variant allele.
Comment: HDAC9: BP4, BP7, BS1, BS2

Laboratory for Molecular Medicine, Mass General Brigham Personalized Medicine
Classification: Benign. Last evaluated: 2016-03-29. Review status: criteria provided, single submitter. Criteria: LMM Criteria. Collection method: clinical testing. Allele origin: germline.
Comment: Variant identified in a genome or exome case(s) and assessed due to predicted null impact of the variant or pathogenic assertions in the literature or databases. Disclaimer: This variant has not undergone full assessment. The following are preliminary notes: Frequency

NM_178425.4(HDAC9):c.1170A>T (p.Pro390=)

Gene: HDAC9 (histone deacetylase 9; plus strand). Cytogenetic location: 7p21.1.
Variant type: single nucleotide variant.
Coding change: c.1170A>T on transcript NM_178425.4 (MANE Select); coding-DNA position 1170, A replaced by T.
Protein change: p.Pro390=; no amino-acid change (proline 390 retained).
Molecular consequence: synonymous variant.
Genome position (GRCh38, 1-based): chr7:18,647,919, A>T. VCF-style: chr7-18647919-A-T. GRCh37 (hg19) VCF-style: chr7-18687542-A-T.
Other names: c.1155A>T, p.Pro385= (NM_001204144.3, NM_001321890.2); c.1029A>T, p.Pro343= (NM_001204145.3, NM_001321891.2, NM_001321893.2); c.1038A>T, p.Pro346= (NM_001204146.2, NM_001321877.2, NM_001321894.2 and 2 more transcripts); c.930A>T, p.Pro310= (NM_001204147.3); c.1077A>T, p.Pro359= (NM_001204148.3, NM_001321896.2); c.1095A>T, p.Pro365= (NM_001321868.2); c.1236A>T, p.Pro412= (NM_001321869.2); c.1227A>T, p.Pro409= (NM_001321870.2); and 13 more.
Identifiers: ClinVar variation 402926 (VCV000402926.12), dbSNP rs35614472, ClinGen allele CA4173836.